The following is an entry in ClinVar:

ClinVar aggregate classification (germline): Uncertain significance. Review status: criteria provided, multiple submitters, no conflicts (2 of 4 stars). 2 submissions from 2 submitters: Uncertain significance (2). Last evaluated 2022-12-16.

Conditions:
Hereditary spastic paraplegia 49 (HSAN9). Also called: NEUROPATHY, HEREDITARY SENSORY AND AUTONOMIC, TYPE IX, WITH DEVELOPMENTAL DELAY; Spastic paraplegia 49, autosomal recessive; TECPR2-Related Hereditary Sensory and Autonomic Neuropathy with Intellectual Disability. Identifiers: Orphanet 320385, MedGen C5190860, MONDO:0014016, OMIM 615031.
Inborn genetic diseases. Identifiers: MedGen C0950123, MeSH D030342.

Allele frequency attached by ClinVar (database versions not stated): TOPMed 0.00001; gnomAD 0.00005.
gnomAD v4.1: 9 of 1,613,834 alleles (0.00056%); highest among the groups gnomAD compares: Admixed American, 0.012%; no homozygotes.

Submissions (2):

Ambry Genetics
Classification: Uncertain significance for Inborn genetic diseases. Last evaluated: 2022-12-16. Review status: criteria provided, single submitter. Criteria: Ambry Variant Classification Scheme 2023. Collection method: clinical testing. Allele origin: germline.

Labcorp Genetics (formerly Invitae), Labcorp
Classification: Uncertain significance for Hereditary spastic paraplegia 49. Last evaluated: 2022-02-28. Review status: criteria provided, single submitter. Criteria: Invitae Variant Classification Sherloc (09022015). Collection method: clinical testing. Allele origin: germline.
Comment: This sequence change replaces valine, which is neutral and non-polar, with isoleucine, which is neutral and non-polar, at codon 292 of the TECPR2 protein (p.Val292Ile). This variant is not present in population databases (gnomAD no frequency). This variant has not been reported in the literature in individuals affected with TECPR2-related conditions. Algorithms developed to predict the effect of missense changes on protein structure and function (SIFT, PolyPhen-2, Align-GVGD) all suggest that this variant is likely to be tolerated. In summary, the available evidence is currently insufficient to determine the role of this variant in disease. Therefore, it has been classified as a Variant of Uncertain Significance.

NM_014844.5(TECPR2):c.874G>A (p.Val292Ile)

Gene: TECPR2 (tectonin beta-propeller repeat containing 2; plus strand). Cytogenetic location: 14q32.31.
Variant type: single nucleotide variant.
Coding change: c.874G>A on transcript NM_014844.5 (MANE Select); coding-DNA position 874, G replaced by A.
Protein change: p.Val292Ile; replaces valine 292 with isoleucine.
Molecular consequence: missense variant.
Genome position (GRCh38, 1-based): chr14:102,425,214, G>A. VCF-style: chr14-102425214-G-A. GRCh37 (hg19) VCF-style: chr14-102891551-G-A.
Other names: c.874G>A, p.Val292Ile (NM_001172631.3); c.874G>A (NM_014844.3); short protein forms V292I.
Identifiers: ClinVar variation 2193885 (VCV002193885.2), dbSNP rs932143139, ClinGen allele CA267052459.